The following is an entry in ClinVar:

NM_001166108.2(PALLD):c.2539C>G (p.Leu847Val)

Genes: CBR4 (carbonyl reductase 4; minus strand), PALLD (palladin, cytoskeletal associated protein; plus strand). Cytogenetic location: 4q32.3.
Variant type: single nucleotide variant.
Coding change: c.2539C>G on transcript NM_001166108.2 (MANE Select); coding-DNA position 2539, C replaced by G.
Protein change: p.Leu847Val; replaces leucine 847 with valine.
Molecular consequence: missense variant.
Genome position (GRCh38, 1-based): chr4:168,903,823, C>G. VCF-style: chr4-168903823-C-G. GRCh37 (hg19) VCF-style: chr4-169824974-C-G.
Other names: c.1342C>G, p.Leu448Val (NM_001166109.2); c.1027C>G, p.Leu343Val (NM_001166110.2); c.367C>G, p.Leu123Val (NM_001367567.1, NM_001367569.1); c.418C>G, p.Leu140Val (NM_001367568.1, NM_001367570.1); c.2488C>G, p.Leu830Val (NM_016081.4); c.1027C>G (NM_001166110.1); short protein forms L123V, L140V, L343V, L830V, L448V, L847V.
Identifiers: ClinVar variation 1792012 (VCV001792012.7), dbSNP rs544491953, ClinGen allele CA3135904.

ClinVar aggregate classification (germline): Uncertain significance. Review status: criteria provided, multiple submitters, no conflicts (2 of 4 stars). 4 submissions from 3 submitters: Uncertain significance (4). Last evaluated 2024-03-18.

Conditions:
Pancreatic adenocarcinoma. Identifiers: MedGen C0281361, MONDO:0006047, HP:0006725.
Inborn genetic diseases. Identifiers: MedGen C0950123, MeSH D030342.
Hereditary cancer-predisposing syndrome. Also called: Hereditary Cancer Syndrome; Hereditary neoplastic syndrome; Tumor predisposition; Neoplastic Syndromes, Hereditary. Identifiers: Orphanet 140162, MedGen C0027672, MeSH D009386, MONDO:0015356.
Pancreatic cancer, susceptibility to, 1. Identifiers: Orphanet 1333, MedGen C1847351, MONDO:0011739, OMIM 606856.

Allele frequency attached by ClinVar (database versions not stated): TOPMed below 0.00001; gnomAD 0.00001; ExAC 0.00002; gnomAD exomes 0.00002; 1000 Genomes Project 30x 0.00016; 1000 Genomes Project 0.00020.
gnomAD v4.1: 34 of 1,612,514 alleles (0.0021%); highest among the groups gnomAD compares: South Asian, 0.024%; 1 homozygote.

Submissions (4):

Fulgent Genetics
Classification: Uncertain significance for Pancreatic cancer, susceptibility to, 1. Last evaluated: 2024-03-18. Review status: criteria provided, single submitter. Criteria: ACMG Guidelines, 2015. Collection method: clinical testing. Allele origin: germline.

Labcorp Genetics (formerly Invitae), Labcorp
Classification: Uncertain significance for Pancreatic adenocarcinoma. Last evaluated: 2023-09-03. Review status: criteria provided, single submitter. Criteria: Invitae Variant Classification Sherloc (09022015). Collection method: clinical testing. Allele origin: germline.
Comment: In summary, the available evidence is currently insufficient to determine the role of this variant in disease. Therefore, it has been classified as a Variant of Uncertain Significance. An algorithm developed to predict the effect of missense changes on protein structure and function (PolyPhen-2) suggests that this variant is likely to be tolerated. ClinVar contains an entry for this variant (Variation ID: 1792012). This variant has not been reported in the literature in individuals affected with PALLD-related conditions. This variant is present in population databases (rs544491953, gnomAD 0.02%). This sequence change replaces leucine, which is neutral and non-polar, with valine, which is neutral and non-polar, at codon 343 of the PALLD protein (p.Leu343Val).

Ambry Genetics
Classification: Uncertain significance for Inborn genetic diseases. Last evaluated: 2021-08-12. Review status: criteria provided, single submitter. Criteria: Ambry General Variant Classification Scheme_2022. Collection method: clinical testing. Allele origin: germline. Observed: 1 variant allele.

Ambry Genetics
Classification: Uncertain significance for Hereditary cancer-predisposing syndrome. Last evaluated: 2021-07-29. Review status: criteria provided, single submitter. Criteria: Ambry General Variant Classification Scheme_2022. Collection method: clinical testing. Allele origin: germline. Observed: 1 variant allele.
Comment: The p.L830V variant (also known as c.2488C>G), located in coding exon 13 of the PALLD gene, results from a C to G substitution at nucleotide position 2488. The leucine at codon 830 is replaced by valine, an amino acid with highly similar properties. This amino acid position is conserved. In addition, this alteration is predicted to be tolerated by in silico analysis. Since supporting evidence is limited at this time, the clinical significance of this alteration remains unclear.